The following is an entry in ClinVar:

ClinVar aggregate classification (germline): Uncertain significance (1 of 4 stars; one submission).

gnomAD v4.1: 14 of 1,598,496 alleles (0.00088%); highest among the groups gnomAD compares: Non-Finnish European, 0.0012%; no homozygotes.

Submission:

Labcorp Genetics (formerly Invitae), Labcorp
Classification: Uncertain significance. Last evaluated: 2025-11-05. Review status: criteria provided, single submitter. Criteria: Invitae Variant Classification Sherloc (09022015). Collection method: clinical testing. Allele origin: germline.
Comment: This sequence change replaces lysine, which is basic and polar, with asparagine, which is neutral and polar, at codon 276 of the ANGPT1 protein (p.Lys276Asn). This variant is present in population databases (rs751870537, gnomAD 0.0009%). This variant has not been reported in the literature in individuals affected with ANGPT1-related conditions. ClinVar contains an entry for this variant (Variation ID: 3669141). An algorithm developed to predict the effect of missense changes on protein structure and function (PolyPhen-2) suggests that this variant is likely to be tolerated. In summary, the available evidence is currently insufficient to determine the role of this variant in disease. Therefore, it has been classified as a Variant of Uncertain Significance.

NM_001146.5(ANGPT1):c.828A>T (p.Lys276Asn)

Gene: ANGPT1 (angiopoietin 1; minus strand). Cytogenetic location: 8q23.1.
Variant type: single nucleotide variant.
Coding change: c.828A>T on transcript NM_001146.5 (MANE Select); coding-DNA position 828, A replaced by T.
Protein change: p.Lys276Asn; replaces lysine 276 with asparagine.
Molecular consequence: missense variant.
Genome position (GRCh38, 1-based): chr8:107,303,348, T>A on the plus strand (A>T on the coding strand, the complement: ANGPT1 is on the minus strand). VCF-style: chr8-107303348-T-A. GRCh37 (hg19) VCF-style: chr8-108315576-T-A.
Other names: c.825A>T, p.Lys275Asn (NM_001199859.3); c.228A>T, p.Lys76Asn (NM_001314051.2); short protein forms K275N, K76N, K276N.
Identifiers: ClinVar variation 3669141 (VCV003669141.2).
Genomic context (GRCh38, chr8:107,303,348, plus strand): 5'-TTTATTAAAACCAGCTTGATATACATCTGCACAGTCTCTAAATGGTTTCTCTTCCTCTCT[T>A]TTTCCTCCCTTTAGTAAAACTGCAAAAAAAAAAAAAAAGATTGCAATATGTGAATATCAG-3'
Protein context (NP_001137.2, residues 266-286): TKEGVLLKGG[Lys276Asn]REEEKPFRDC